The following is an entry in ClinVar:

ClinVar aggregate classification (germline): Pathogenic (1 of 4 stars; one submission).

Conditions:
Glycine encephalopathy. Also called: Nonketotic hyperglycinemia; Non-ketotic hyperglycinemia. Identifiers: Orphanet 407, MedGen C0751748, MONDO:0011612, HP:0008288.

Submission:

Labcorp Genetics (formerly Invitae), Labcorp
Classification: Pathogenic for Glycine encephalopathy. Last evaluated: 2022-07-03. Review status: criteria provided, single submitter. Criteria: Invitae Variant Classification Sherloc (09022015). Collection method: clinical testing. Allele origin: germline.
Comment: For these reasons, this variant has been classified as Pathogenic. This variant has not been reported in the literature in individuals affected with AMT-related conditions. This variant is not present in population databases (gnomAD no frequency). This sequence change creates a premature translational stop signal (p.Pro25Hisfs*71) in the AMT gene. It is expected to result in an absent or disrupted protein product. Loss-of-function variants in AMT are known to be pathogenic (PMID: 16450403).

Literature cited by the submitters: PubMed 16450403.

NM_000481.4(AMT):c.74del (p.Pro25fs)

Genes: AMT (aminomethyltransferase; minus strand), NICN1 (nicolin 1, tubulin polyglutamylase complex subunit; minus strand). Cytogenetic location: 3p21.31.
Variant type: Deletion.
Coding change: c.74del on transcript NM_000481.4 (MANE Select); coding-DNA position 74, one base deleted (C; older notation c.74delC).
Protein change: p.Pro25fs; shifts the reading frame from proline 25.
Molecular consequence: frameshift variant. On other transcripts: non-coding transcript variant (1), 3 prime UTR variant (1).
Genome position (GRCh38, 1-based): chr3:49,422,377, G deleted on the plus strand (C on the coding strand, the reverse complement: AMT is on the minus strand); the first of 2 consecutive G bases (chr3:49,422,377-49,422,378); deleting either gives the same sequence. VCF-style (leftmost placement, unchanged base first): chr3-49422376-TG-T. GRCh37 (hg19) VCF-style: chr3-49459809-TG-T.
Other names: c.74del, p.Pro25fs (NM_001164710.2, NM_001164711.2, NM_001164712.2); c.*2456del (NM_032316.3); short protein forms P25fs.
Identifiers: ClinVar variation 2102638 (VCV002102638.4), dbSNP rs1210592462, ClinGen allele CA907831656.
Genomic context (GRCh38, chr3:49,422,376, plus strand): 5'-CCGCTTCCCTCCCCCACCCTCCAAGATCAGCACCCTCTATCCCACCTGTGCGCAACTAAG[TG>T]GACGACACAAGGCCGGGGGGAATGCCTGCAGGCGAAAGCCCAGACGGGCCACCACACTTA-3'